The following is an entry in ClinVar:

ClinVar aggregate classification (germline): Uncertain significance. Review status: criteria provided, multiple submitters, no conflicts (2 of 4 stars). 2 submissions from 2 submitters: Uncertain significance (2). Last evaluated 2024-11-22.

Conditions:
Mitochondrial complex II deficiency, nuclear type 1. Also called: SUCCINATE CoQ REDUCTASE DEFICIENCY. Identifiers: Orphanet 3208, MedGen C5700310, MONDO:0100294, OMIM 252011.
Pheochromocytoma/paraganglioma syndrome 5. Also called: Paragangliomas 5; SDHA-Related Hereditary Paraganglioma-Pheochromocytoma Syndrome. Identifiers: Orphanet 29072, MedGen C3279992, MONDO:0013602, OMIM 614165.
Hereditary cancer-predisposing syndrome. Also called: Tumor predisposition; Hereditary Cancer Syndrome; Hereditary neoplastic syndrome; Neoplastic Syndromes, Hereditary. Identifiers: Orphanet 140162, MedGen C0027672, MeSH D009386, MONDO:0015356.

Submissions (2):

Labcorp Genetics (formerly Invitae), Labcorp
Classification: Uncertain significance for Pheochromocytoma/paraganglioma syndrome 5; Mitochondrial complex II deficiency, nuclear type 1. Last evaluated: 2024-11-22. Review status: criteria provided, single submitter. Criteria: Invitae Variant Classification Sherloc (09022015). Collection method: clinical testing. Allele origin: germline.
Comment: This sequence change replaces arginine, which is basic and polar, with lysine, which is basic and polar, at codon 500 of the SDHA protein (p.Arg500Lys). This variant is not present in population databases (gnomAD no frequency). This variant has not been reported in the literature in individuals affected with SDHA-related conditions. ClinVar contains an entry for this variant (Variation ID: 1773942). Invitae Evidence Modeling of protein sequence and biophysical properties (such as structural, functional, and spatial information, amino acid conservation, physicochemical variation, residue mobility, and thermodynamic stability) indicates that this missense variant is not expected to disrupt SDHA protein function with a negative predictive value of 95%. In summary, the available evidence is currently insufficient to determine the role of this variant in disease. Therefore, it has been classified as a Variant of Uncertain Significance.

Ambry Genetics
Classification: Uncertain significance for Hereditary cancer-predisposing syndrome. Last evaluated: 2022-02-18. Review status: criteria provided, single submitter. Criteria: Ambry Variant Classification Scheme 2023. Collection method: clinical testing. Allele origin: germline.
Comment: The p.R500K variant (also known as c.1499G>A), located in coding exon 11 of the SDHA gene, results from a G to A substitution at nucleotide position 1499. The arginine at codon 500 is replaced by lysine, an amino acid with highly similar properties. This amino acid position is conserved. In addition, the in silico prediction for this alteration is inconclusive. Since supporting evidence is limited at this time, the clinical significance of this alteration remains unclear.

NM_004168.4(SDHA):c.1499G>A (p.Arg500Lys)

Gene: SDHA (succinate dehydrogenase complex flavoprotein subunit A; plus strand). Cytogenetic location: 5p15.33.
Variant type: single nucleotide variant.
Coding change: c.1499G>A on transcript NM_004168.4 (MANE Select); coding-DNA position 1499, G replaced by A.
Protein change: p.Arg500Lys; replaces arginine 500 with lysine.
Molecular consequence: missense variant.
Genome position (GRCh38, 1-based): chr5:240,424, G>A. VCF-style: chr5-240424-G-A. GRCh37 (hg19) VCF-style: chr5-240539-G-A.
Other names: c.1355G>A, p.Arg452Lys (NM_001294332.2); c.1499G>A, p.Arg500Lys (NM_001330758.2); short protein forms R452K, R500K.
Identifiers: ClinVar variation 1773942 (VCV001773942.4), dbSNP rs2477398085, ClinGen allele CA359014300.